The following is an entry in ClinVar:

ClinVar aggregate classification (germline): Uncertain significance (1 of 4 stars; one submission).

Conditions:
Intellectual disability, autosomal dominant 16 (CSS4). Also called: COFFIN-SIRIS SYNDROME 4. Identifiers: Orphanet 1465, MedGen C3553249, MONDO:0013821, OMIM 614609.

Submission:

Illumina Laboratory Services, Illumina
Classification: Uncertain significance for Intellectual disability, autosomal dominant 16. Last evaluated: 2022-01-12. Review status: criteria provided, single submitter. Criteria: ICSLVariantClassificationCriteria RUGD 01 April 2020. Collection method: clinical testing. Allele origin: unknown.
Comment: The SMARCA4 c.2450A>T (p.Asn817Ile) missense variant results in the substitution of asparagine at amino acid position 817 with isoleucine. To our knowledge, this variant has not been reported in the peer-reviewed literature. This variant is not found in version 2.1.1 or version 3.1.2 of the Genome Aggregation Database. Based on the available evidence, the c.2450A>T (p.Asn817Ile) variant is classified as a variant of uncertain significance for Coffin-Siris syndrome.

NM_003072.5(SMARCA4):c.2450A>T (p.Asn817Ile)

Gene: SMARCA4 (SWI/SNF related BAF chromatin remodeling complex subunit ATPase 4; plus strand). Cytogenetic location: 19p13.2.
Variant type: single nucleotide variant.
Coding change: c.2450A>T on transcript NM_003072.5 (MANE Select); coding-DNA position 2450, A replaced by T.
Protein change: p.Asn817Ile; replaces asparagine 817 with isoleucine.
Molecular consequence: missense variant. On other transcripts: non-coding transcript variant (1).
Genome position (GRCh38, 1-based): chr19:11,018,968, A>T. VCF-style: chr19-11018968-A-T. GRCh37 (hg19) VCF-style: chr19-11129644-A-T.
Other names: c.2450A>T, p.Asn817Ile (NM_001128844.3, NM_001128845.2, NM_001128846.2 and 5 more transcripts); short protein forms N817I.
Identifiers: ClinVar variation 1693288 (VCV001693288.3), dbSNP rs2146359567, ClinGen allele CA404053477.
Genomic context (GRCh38, chr19:11,018,968, plus strand): 5'-GCCATTGATGAGAGACCGGCACTTGACTCTCATTTCCTTGTTCCATCAGAACGCTGTCCA[A>T]CTGGGCGTACGAGTTTGACAAGTGGGCCCCCTCCGTGGTGAAGGTGTCTTACAAGGTAGG-3'
Protein context (NP_003063.2, residues 807-827): LIIVPLSTLS[Asn817Ile]WAYEFDKWAP